The following is an entry in ClinVar:

ClinVar aggregate classification (germline): Uncertain significance (1 of 4 stars; one submission).

Conditions:
Neuropathy, hereditary sensory and autonomic, type 1C. Also called: HSAN IC; HSN IC. Identifiers: Orphanet 36386, MedGen C3150896, MONDO:0013337, OMIM 613640.

Allele frequency attached by ClinVar (database versions not stated): TOPMed 0.00001.
gnomAD v4.1: 3 of 1,613,508 alleles (0.00019%); no homozygotes.

Submission:

Labcorp Genetics (formerly Invitae), Labcorp
Classification: Uncertain significance for Neuropathy, hereditary sensory and autonomic, type 1C. Last evaluated: 2024-09-10. Review status: criteria provided, single submitter. Criteria: Invitae Variant Classification Sherloc (09022015). Collection method: clinical testing. Allele origin: germline.
Comment: This sequence change replaces glutamic acid, which is acidic and polar, with glutamine, which is neutral and polar, at codon 289 of the SPTLC2 protein (p.Glu289Gln). This variant is not present in population databases (gnomAD no frequency). This variant has not been reported in the literature in individuals affected with SPTLC2-related conditions. ClinVar contains an entry for this variant (Variation ID: 845498). Invitae Evidence Modeling of protein sequence and biophysical properties (such as structural, functional, and spatial information, amino acid conservation, physicochemical variation, residue mobility, and thermodynamic stability) has been performed for this missense variant. However, the output from this modeling did not meet the statistical confidence thresholds required to predict the impact of this variant on SPTLC2 protein function. In summary, the available evidence is currently insufficient to determine the role of this variant in disease. Therefore, it has been classified as a Variant of Uncertain Significance.

NM_004863.4(SPTLC2):c.865G>C (p.Glu289Gln)

Gene: SPTLC2 (serine palmitoyltransferase long chain base subunit 2; minus strand). Cytogenetic location: 14q24.3.
Variant type: single nucleotide variant.
Coding change: c.865G>C on transcript NM_004863.4 (MANE Select); coding-DNA position 865, G replaced by C.
Protein change: p.Glu289Gln; replaces glutamic acid 289 with glutamine.
Molecular consequence: missense variant.
Genome position (GRCh38, 1-based): chr14:77,557,132, C>G on the plus strand (G>C on the coding strand, the complement: SPTLC2 is on the minus strand). VCF-style: chr14-77557132-C-G. GRCh37 (hg19) VCF-style: chr14-78023475-C-G.
Other names: short protein forms E289Q.
Identifiers: ClinVar variation 845498 (VCV000845498.7), dbSNP rs1028968270, ClinGen allele CA263847782.